The following is an entry in ClinVar:

ClinVar aggregate classification (germline): Uncertain significance. Review status: criteria provided, multiple submitters, no conflicts (2 of 4 stars). 3 submissions from 3 submitters: Uncertain significance (3). Last evaluated 2024-07-09.

Conditions:
Hereditary cancer-predisposing syndrome. Also called: Neoplastic Syndromes, Hereditary; Hereditary Cancer Syndrome; Tumor predisposition; Hereditary neoplastic syndrome. Identifiers: Orphanet 140162, MedGen C0027672, MeSH D009386, MONDO:0015356.
Ataxia-telangiectasia syndrome (AT). Also called: LOUIS-BAR SYNDROME; Cerebello-oculocutaneous telangiectasia; Immunodeficiency with ataxia telangiectasia; Ataxia-telangiectasia, complementation group D; AT, COMPLEMENTATION GROUP C; Ataxia-telangiectasia, complementation group E. Identifiers: Orphanet 100, MedGen C0004135, MONDO:0008840, OMIM 208900.

Allele frequency attached by ClinVar (database versions not stated): gnomAD exomes below 0.00001.
gnomAD v4.1: 1 of 1,614,086 alleles (0.000062%); highest among the groups gnomAD compares: Non-Finnish European, 0.000085%; no homozygotes.

Submissions (3):

Ambry Genetics
Classification: Uncertain significance for Hereditary cancer-predisposing syndrome. Last evaluated: 2024-07-09. Review status: criteria provided, single submitter. Criteria: Ambry Variant Classification Scheme 2023. Collection method: clinical testing. Allele origin: germline.
Comment: The p.K2421T variant (also known as c.7262A>C), located in coding exon 48 of the ATM gene, results from an A to C substitution at nucleotide position 7262. The lysine at codon 2421 is replaced by threonine, an amino acid with similar properties. This amino acid position is conserved. In addition, this alteration is predicted to be deleterious by in silico analysis. Based on the available evidence, the clinical significance of this variant remains unclear.

Labcorp Genetics (formerly Invitae), Labcorp
Classification: Uncertain significance for Ataxia-telangiectasia syndrome. Last evaluated: 2021-08-24. Review status: criteria provided, single submitter. Criteria: Invitae Variant Classification Sherloc (09022015). Collection method: clinical testing. Allele origin: germline.
Comment: This sequence change replaces lysine with threonine at codon 2421 of the ATM protein (p.Lys2421Thr). The lysine residue is moderately conserved and there is a moderate physicochemical difference between lysine and threonine. This variant is not present in population databases (ExAC no frequency). This variant has not been reported in the literature in individuals affected with ATM-related conditions. Algorithms developed to predict the effect of missense changes on protein structure and function are either unavailable or do not agree on the potential impact of this missense change (SIFT: "Tolerated"; PolyPhen-2: "Possibly Damaging"; Align-GVGD: "Class C0"). In summary, the available evidence is currently insufficient to determine the role of this variant in disease. Therefore, it has been classified as a Variant of Uncertain Significance.

Mendelics
Classification: Uncertain significance for Ataxia-telangiectasia syndrome. Last evaluated: 2019-05-28. Review status: criteria provided, single submitter. Criteria: Mendelics Assertion Criteria 2017. Collection method: clinical testing. Allele origin: unknown.

NM_000051.4(ATM):c.7262A>C (p.Lys2421Thr)

Genes: ATM (ATM serine/threonine kinase; plus strand), C11orf65 (chromosome 11 open reading frame 65; minus strand). Cytogenetic location: 11q22.3.
Variant type: single nucleotide variant.
Coding change: c.7262A>C on transcript NM_000051.4 (MANE Select); coding-DNA position 7262, A replaced by C.
Protein change: p.Lys2421Thr; replaces lysine 2421 with threonine.
Molecular consequence: missense variant. On other transcripts: intron variant (2).
Genome position (GRCh38, 1-based): chr11:108,329,193, A>C. VCF-style: chr11-108329193-A-C. GRCh37 (hg19) VCF-style: chr11-108199920-A-C.
Other names: c.7262A>C, p.Lys2421Thr (NM_001351834.2); c.641-20122T>G (NM_001330368.2); c.*38+6027T>G (NM_001351110.2); short protein forms K2421T.
Identifiers: ClinVar variation 453670 (VCV000453670.9), dbSNP rs1360453074, ClinGen allele CA382559749.
Genomic context (GRCh38, chr11:108,329,193, plus strand): 5'-TTGAAAACTACATGAAATCATCGGAATTTGAAAACAAGCAAGCTCTCCTGAAAAGAGCCA[A>C]AGAGGAAGTAGGTCTCCTTAGGGAACATAAAATTCAGACAAACAGGTAACTAGGTTTCTA-3'
Protein context (NP_000042.3, residues 2411-2431): ENKQALLKRA[Lys2421Thr]EEVGLLREHK